The following is an entry in ClinVar:

ClinVar aggregate classification (germline): Uncertain significance. Review status: criteria provided, single submitter (1 of 4 stars). 2 submissions from 2 submitters: Uncertain significance (1). 1 of the submissions does not count toward it. Last evaluated 2022-07-17.

Conditions:
Glycogen storage disease type III (GSD3). Also called: Cori disease; FORBES DISEASE. Identifiers: Orphanet 366, MedGen C0017922, MONDO:0009291, OMIM 232400.

gnomAD v4.1: 3 of 1,613,952 alleles (0.00019%); highest among the groups gnomAD compares: South Asian, 0.0011%; no homozygotes.

Submissions (2):

Labcorp Genetics (formerly Invitae), Labcorp
Classification: Uncertain significance for Glycogen storage disease type III. Last evaluated: 2022-07-17. Review status: criteria provided, single submitter. Criteria: Invitae Variant Classification Sherloc (09022015). Collection method: clinical testing. Allele origin: germline.
Comment: This sequence change replaces arginine, which is basic and polar, with leucine, which is neutral and non-polar, at codon 1295 of the AGL protein (p.Arg1295Leu). This variant is present in population databases (no rsID available, gnomAD 0.002%). This variant has not been reported in the literature in individuals affected with AGL-related conditions. ClinVar contains an entry for this variant (Variation ID: 526573). Algorithms developed to predict the effect of missense changes on protein structure and function are either unavailable or do not agree on the potential impact of this missense change (SIFT: "Deleterious"; PolyPhen-2: "Benign"; Align-GVGD: "Class C35"). In summary, the available evidence is currently insufficient to determine the role of this variant in disease. Therefore, it has been classified as a Variant of Uncertain Significance.

Natera, Inc.
Classification: Uncertain significance for Glycogen storage disease type III. Last evaluated: 2021-04-06. Review status: no assertion criteria provided. Collection method: clinical testing. Allele origin: germline. Not counted in ClinVar's aggregate classification.

NM_000642.3(AGL):c.3884G>T (p.Arg1295Leu)

Gene: AGL (amylo-alpha-1,6-glucosidase and 4-alpha-glucanotransferase; plus strand). Cytogenetic location: 1p21.2.
Variant type: single nucleotide variant.
Coding change: c.3884G>T on transcript NM_000642.3 (MANE Select); coding-DNA position 3884, G replaced by T.
Protein change: p.Arg1295Leu; replaces arginine 1295 with leucine.
Molecular consequence: missense variant.
Genome position (GRCh38, 1-based): chr1:99,912,452, G>T. VCF-style: chr1-99912452-G-T. GRCh37 (hg19) VCF-style: chr1-100378008-G-T.
Other names: c.3884G>T, p.Arg1295Leu (NM_000028.3, NM_000643.3, NM_000644.3 and 1 more transcripts); c.3836G>T, p.Arg1279Leu (NM_000646.3); c.3863G>T, p.Arg1288Leu (NM_001425326.1); c.3683G>T, p.Arg1228Leu (NM_001425327.1); c.3680G>T, p.Arg1227Leu (NM_001425328.1); c.3545G>T, p.Arg1182Leu (NM_001425329.1); c.3506G>T, p.Arg1169Leu (NM_001425332.1); short protein forms R1295L, R1279L, R1169L, R1182L, R1227L, R1228L, R1288L.
Identifiers: ClinVar variation 526573 (VCV000526573.8), dbSNP rs140481863, ClinGen allele CA27555332.